The following is an entry in ClinVar:

ClinVar aggregate classification (germline): Conflicting classifications of pathogenicity. Review status: criteria provided, conflicting classifications (1 of 4 stars). 6 submissions from 6 submitters: Uncertain significance (1); Benign (1); Likely benign (3). 1 of the submissions does not count toward it. Last evaluated 2026-06-18.

Conditions:
TSC2-related disorder. Also called: TSC2-related condition; TSC2-Related Disorders.
Hereditary cancer-predisposing syndrome. Also called: Tumor predisposition; Neoplastic Syndromes, Hereditary; Hereditary Cancer Syndrome; Hereditary neoplastic syndrome. Identifiers: Orphanet 140162, MedGen C0027672, MeSH D009386, MONDO:0015356.
Tuberous sclerosis syndrome (TSC). Also called: Tuberous Sclerosis Complex; Tuberous sclerosis. Identifiers: Orphanet 805, MedGen C0041341, MONDO:0001734.
Tuberous sclerosis 2 (TSC2). Identifiers: Orphanet 805, MedGen C1860707, MONDO:0013199, OMIM 613254.

Allele frequency attached by ClinVar (database versions not stated): ExAC below 0.00001; TOPMed 0.00002; gnomAD 0.00001; gnomAD exomes 0.00002 and 0.00001.
gnomAD v4.1: 10 of 1,585,976 alleles (0.00063%); highest among the groups gnomAD compares: Admixed American, 0.0091%; no homozygotes.

Submissions (6):

Women's Health and Genetics/Laboratory Corporation of America, LabCorp
Classification: Uncertain significance. Last evaluated: 2026-06-18. Review status: criteria provided, single submitter. Criteria: LabCorp Variant Classification Summary - May 2015. Collection method: clinical testing. Allele origin: germline.
Comment: Variant summary: TSC2 c.866C>T (p.Ala289Val) results in a non-conservative amino acid change in the encoded protein sequence. Algorithms developed to predict the effect of missense changes on protein structure and function are either unavailable or do not agree on the potential impact of this missense change. The variant allele was found at a frequency of 2e-05 in 204762 control chromosomes. The available data on variant occurrences in the general population are insufficient to allow any conclusion about variant significance. To our knowledge, no occurrence of c.866C>T in individuals affected with TSC2-related conditions and no experimental evidence demonstrating its impact on protein function have been reported. ClinVar contains an entry for this variant (Variation ID: 207707). Based on the evidence outlined above, the variant was classified as uncertain significance.

Labcorp Genetics (formerly Invitae), Labcorp
Classification: Likely benign for Tuberous sclerosis 2. Last evaluated: 2025-10-01. Review status: criteria provided, single submitter. Criteria: Invitae Variant Classification Sherloc (09022015). Collection method: clinical testing. Allele origin: germline.

Color Diagnostics, LLC DBA Color Health
Classification: Likely benign for Tuberous sclerosis syndrome. Last evaluated: 2022-09-14. Review status: criteria provided, single submitter. Criteria: ACMG Guidelines, 2015. Collection method: clinical testing. Allele origin: germline.

Ambry Genetics
Classification: Benign for Hereditary cancer-predisposing syndrome. Last evaluated: 2022-06-01. Review status: criteria provided, single submitter. Criteria: Ambry Variant Classification Scheme 2023. Collection method: clinical testing. Allele origin: germline.

Genome-Nilou Lab
Classification: Likely benign for Tuberous sclerosis 2. Last evaluated: 2021-11-07. Review status: criteria provided, single submitter. Criteria: ACMG Guidelines, 2015. Collection method: clinical testing. Allele origin: germline. Affected: no.

PreventionGenetics, part of Exact Sciences
Classification: Uncertain significance for TSC2-related condition. Last evaluated: 2023-12-05. Review status: no assertion criteria provided. Collection method: clinical testing. Allele origin: germline. Not counted in ClinVar's aggregate classification.
Comment: The TSC2 c.866C>T variant is predicted to result in the amino acid substitution p.Ala289Val. To our knowledge, this variant has not been reported in the literature. This variant is reported in 0.014% of alleles in individuals of Latino descent in gnomAD and is reported in ClinVar as likely benign or benign. At this time, the clinical significance of this variant is uncertain due to the absence of conclusive functional and genetic evidence.

NM_000548.5(TSC2):c.866C>T (p.Ala289Val)

Gene: TSC2 (TSC complex subunit 2; plus strand). Cytogenetic location: 16p13.3.
Variant type: single nucleotide variant.
Coding change: c.866C>T on transcript NM_000548.5 (MANE Select); coding-DNA position 866, C replaced by T.
Protein change: p.Ala289Val; replaces alanine 289 with valine.
Molecular consequence: missense variant.
Genome position (GRCh38, 1-based): chr16:2,058,764, C>T. VCF-style: chr16-2058764-C-T. GRCh37 (hg19) VCF-style: chr16-2108765-C-T.
Other names: c.866C>T, p.Ala289Val (NM_001077183.3, NM_001114382.3, NM_001363528.2 and 3 more transcripts); c.755C>T, p.Ala252Val (NM_001318827.2); c.719C>T, p.Ala240Val (NM_001318829.2); c.266C>T, p.Ala89Val (NM_001318831.2); c.899C>T, p.Ala300Val (NM_001318832.2); c.866C>T (NM_000548.4); short protein forms A289V, A240V, A252V, A300V, A89V.
Identifiers: ClinVar variation 207707 (VCV000207707.22), dbSNP rs755631210, ClinGen allele CA056623.